The following is an entry in ClinVar:

NM_001017420.3(ESCO2):c.1475dup (p.Leu492fs)

Gene: ESCO2 (establishment of sister chromatid cohesion N-acetyltransferase 2; plus strand). Cytogenetic location: 8p21.1.
Variant type: Duplication.
Coding change: c.1475dup on transcript NM_001017420.3 (MANE Select); coding-DNA position 1475, one base duplicated (T; older notation c.1475dupT).
Protein change: p.Leu492fs; shifts the reading frame from leucine 492.
Molecular consequence: frameshift variant.
Genome position (GRCh38, 1-based): chr8:27,792,789, T duplicated; the last of 3 consecutive T bases (chr8:27,792,787-27,792,789); duplicating any one gives the same sequence. VCF-style (leftmost placement, unchanged base first): chr8-27792786-G-GT. GRCh37 (hg19) VCF-style: chr8-27650303-G-GT.
Other names: short protein forms L492fs.
Identifiers: ClinVar variation 2159341 (VCV002159341.5), dbSNP rs1413591962, ClinGen allele CA850411522.

ClinVar aggregate classification (germline): Pathogenic/Likely pathogenic. Review status: criteria provided, multiple submitters, no conflicts (2 of 4 stars). 2 submissions from 2 submitters: Pathogenic (1); Likely pathogenic (1). Last evaluated 2024-05-07.

Conditions:
Roberts-SC phocomelia syndrome (RBS). Also called: LONG BONE DEFICIENCIES ASSOCIATED WITH CLEFT LIP-PALATE; ESCO2 Spectrum Disorder; Hypomelia hypotrichosis facial hemangioma syndrome; Pseudothalidomide syndrome; Appelt-Gerken-Lenz syndrome. Identifiers: Orphanet 3103, MedGen C0392475, MONDO:0100253, OMIM 268300.
Juberg-Hayward syndrome (JHS). Also called: OROCRANIODIGITAL SYNDROME; Cleft lip/palate with abnormal thumbs and microcephaly. Identifiers: Orphanet 2319, MedGen C0796099, MONDO:0008992, OMIM 216100.

Submissions (2):

Fulgent Genetics
Classification: Likely pathogenic for Juberg-Hayward syndrome; Roberts-SC phocomelia syndrome. Last evaluated: 2024-05-07. Review status: criteria provided, single submitter. Criteria: ACMG Guidelines, 2015. Collection method: clinical testing. Allele origin: germline.

Labcorp Genetics (formerly Invitae), Labcorp
Classification: Pathogenic. Last evaluated: 2023-06-17. Review status: criteria provided, single submitter. Criteria: Invitae Variant Classification Sherloc (09022015). Collection method: clinical testing. Allele origin: germline.
Comment: For these reasons, this variant has been classified as Pathogenic. Algorithms developed to predict the effect of sequence changes on RNA splicing suggest that this variant may disrupt the consensus splice site. ClinVar contains an entry for this variant (Variation ID: 2159341). This variant has not been reported in the literature in individuals affected with ESCO2-related conditions. This variant is not present in population databases (gnomAD no frequency). This sequence change creates a premature translational stop signal (p.Leu492Phefs*15) in the ESCO2 gene. It is expected to result in an absent or disrupted protein product. Loss-of-function variants in ESCO2 are known to be pathogenic (PMID: 15821733, 16380922).

Literature cited by the submitters: PubMed 15821733 (cited by Labcorp Genetics (formerly Invitae), Labcorp); PubMed 16380922 (cited by Labcorp Genetics (formerly Invitae), Labcorp).